The following is an entry in ClinVar:

NM_024741.3(ZNF408):c.1007C>T (p.Ser336Leu)

Gene: ZNF408 (zinc finger protein 408; plus strand). Cytogenetic location: 11p11.2.
Variant type: single nucleotide variant.
Coding change: c.1007C>T on transcript NM_024741.3 (MANE Select); coding-DNA position 1007, C replaced by T.
Protein change: p.Ser336Leu; replaces serine 336 with leucine.
Molecular consequence: missense variant.
Genome position (GRCh38, 1-based): chr11:46,704,707, C>T. VCF-style: chr11-46704707-C-T. GRCh37 (hg19) VCF-style: chr11-46726257-C-T.
Other names: c.983C>T, p.Ser328Leu (NM_001184751.2); c.1007C>T (NM_024741.2); short protein forms S328L, S336L.
Identifiers: ClinVar variation 1007219 (VCV001007219.7), dbSNP rs150368802, ClinGen allele CA5966476.

ClinVar aggregate classification (germline): Conflicting classifications of pathogenicity. Review status: criteria provided, conflicting classifications (1 of 4 stars). 2 submissions from 2 submitters: Uncertain significance (1); Likely benign (1). Last evaluated 2025-02-18.

Conditions:
Inborn genetic diseases. Identifiers: MedGen C0950123, MeSH D030342.

Allele frequency attached by ClinVar (database versions not stated): gnomAD exomes 0.00005; TOPMed 0.00005; gnomAD 0.00006; ExAC 0.00007; ESP Exome Variant Server 0.00008.

Submissions (2):

Ambry Genetics
Classification: Likely benign for Inborn genetic diseases. Last evaluated: 2025-02-18. Review status: criteria provided, single submitter. Criteria: Ambry Variant Classification Scheme 2023. Collection method: clinical testing. Allele origin: germline.

Labcorp Genetics (formerly Invitae), Labcorp
Classification: Uncertain significance. Last evaluated: 2024-06-13. Review status: criteria provided, single submitter. Criteria: Invitae Variant Classification Sherloc (09022015). Collection method: clinical testing. Allele origin: germline.
Comment: This sequence change replaces serine, which is neutral and polar, with leucine, which is neutral and non-polar, at codon 336 of the ZNF408 protein (p.Ser336Leu). This variant is present in population databases (rs150368802, gnomAD 0.07%). This variant has not been reported in the literature in individuals affected with ZNF408-related conditions. ClinVar contains an entry for this variant (Variation ID: 1007219). Algorithms developed to predict the effect of missense changes on protein structure and function output the following: SIFT: "Not Available"; PolyPhen-2: "Benign"; Align-GVGD: "Not Available". The leucine amino acid residue is found in multiple mammalian species, which suggests that this missense change does not adversely affect protein function. In summary, the available evidence is currently insufficient to determine the role of this variant in disease. Therefore, it has been classified as a Variant of Uncertain Significance.